The following is an entry in ClinVar:

NM_025074.7(FRAS1):c.1643G>A (p.Gly548Glu)

Gene: FRAS1 (Fraser extracellular matrix complex subunit 1; plus strand). Cytogenetic location: 4q21.21.
Variant type: single nucleotide variant.
Coding change: c.1643G>A on transcript NM_025074.7 (MANE Select); coding-DNA position 1643, G replaced by A.
Protein change: p.Gly548Glu; replaces glycine 548 with glutamic acid.
Molecular consequence: missense variant.
Genome position (GRCh38, 1-based): chr4:78,308,174, G>A. VCF-style: chr4-78308174-G-A. GRCh37 (hg19) VCF-style: chr4-79229328-G-A.
Other names: c.1643G>A, p.Gly548Glu (NM_001166133.2); short protein forms G548E.
Identifiers: ClinVar variation 1924802 (VCV001924802.3), dbSNP rs1264191039, ClinGen allele CA357367365.
Genomic context (GRCh38, chr4:78,308,174, plus strand): 5'-GCTTGGCCTGCAGAGATCCCCTCCACGTGCTGAGAGATGGCGGCTGTGAGAGCAGCTGTG[G>A]AAAAGGCTTCTACAACAGGCAGGGCACCTGTAGCGGTGAGTGCTGGGTTGCGATGCTGAC-3'
Protein context (NP_079350.5, residues 538-558): LRDGGCESSC[Gly548Glu]KGFYNRQGTC

ClinVar aggregate classification (germline): Uncertain significance (1 of 4 stars; one submission).

Allele frequency attached by ClinVar (database versions not stated): gnomAD exomes 0.00001.
gnomAD v4.1: 21 of 1,613,818 alleles (0.0013%); highest among the groups gnomAD compares: Non-Finnish European, 0.0017%; no homozygotes.

Submission:

Labcorp Genetics (formerly Invitae), Labcorp
Classification: Uncertain significance. Last evaluated: 2025-10-04. Review status: criteria provided, single submitter. Criteria: Invitae Variant Classification Sherloc (09022015). Collection method: clinical testing. Allele origin: germline.
Comment: This sequence change replaces glycine, which is neutral and non-polar, with glutamic acid, which is acidic and polar, at codon 548 of the FRAS1 protein (p.Gly548Glu). This variant is present in population databases (no rsID available, gnomAD 0.05%). This variant has not been reported in the literature in individuals affected with FRAS1-related conditions. ClinVar contains an entry for this variant (Variation ID: 1924802). An algorithm developed to predict the effect of missense changes on protein structure and function (PolyPhen-2) suggests that this variant is likely to be disruptive. In summary, the available evidence is currently insufficient to determine the role of this variant in disease. Therefore, it has been classified as a Variant of Uncertain Significance.